The following is an entry in ClinVar:

NM_003628.6(PKP4):c.1950G>T (p.Met650Ile)

Gene: PKP4 (plakophilin 4; plus strand). Cytogenetic location: 2q24.1.
Variant type: single nucleotide variant.
Coding change: c.1950G>T on transcript NM_003628.6 (MANE Select); coding-DNA position 1950, G replaced by T.
Protein change: p.Met650Ile; replaces methionine 650 with isoleucine.
Molecular consequence: missense variant.
Genome position (GRCh38, 1-based): chr2:158,658,171, G>T. VCF-style: chr2-158658171-G-T. GRCh37 (hg19) VCF-style: chr2-159514683-G-T.
Other names: c.1950G>T, p.Met650Ile (NM_001005476.4, NM_001304971.2, NM_001377218.1 and 1 more transcripts); c.1947G>T, p.Met649Ile (NM_001304969.3, NM_001377219.1, NM_001377220.1 and 2 more transcripts); c.921G>T, p.Met307Ile (NM_001304970.3); c.1944G>T, p.Met648Ile (NM_001377222.1, NM_001377223.1); c.1941G>T, p.Met647Ile (NM_001377224.1); short protein forms M307I, M647I, M648I, M649I, M650I.
Identifiers: ClinVar variation 2620868 (VCV002620868.2), dbSNP rs780074675, ClinGen allele CA348901180.

ClinVar aggregate classification (germline): Uncertain significance (1 of 4 stars; one submission).

gnomAD v4.1: 3 of 1,607,398 alleles (0.00019%); highest among the groups gnomAD compares: Admixed American, 0.005%; no homozygotes.

Submission:

Ambry Genetics
Classification: Uncertain significance. Last evaluated: 2023-07-12. Review status: criteria provided, single submitter. Criteria: Ambry Variant Classification Scheme 2023. Collection method: clinical testing. Allele origin: germline.
Comment: The p.M650I variant (also known as c.1950G>T), located in coding exon 11 of the PKP4 gene, results from a G to T substitution at nucleotide position 1950. The methionine at codon 650 is replaced by isoleucine, an amino acid with highly similar properties. This amino acid position is conserved. In addition, this alteration is predicted to be deleterious by in silico analysis. Since supporting evidence is limited at this time, the clinical significance of this alteration remains unclear.